The following is an entry in ClinVar:

ClinVar aggregate classification (germline): Pathogenic (1 of 4 stars; one submission).

Submission:

Labcorp Genetics (formerly Invitae), Labcorp
Classification: Pathogenic. Last evaluated: 2022-05-11. Review status: criteria provided, single submitter. Criteria: Invitae Variant Classification Sherloc (09022015). Collection method: clinical testing. Allele origin: germline.
Comment: This sequence change creates a premature translational stop signal (p.Trp243*) in the POLE gene. It is expected to result in an absent or disrupted protein product. Loss-of-function variants in POLE are known to be pathogenic (PMID: 23230001, 25948378, 30503519). This variant is not present in population databases (gnomAD no frequency). This variant has not been reported in the literature in individuals affected with POLE-related conditions. ClinVar contains an entry for this variant (Variation ID: 565822). For these reasons, this variant has been classified as Pathogenic.

Literature cited by the submitters: PubMed 23230001; PubMed 25948378; PubMed 30503519.

NM_006231.4(POLE):c.729G>A (p.Trp243Ter)

Gene: POLE (DNA polymerase epsilon, catalytic subunit; minus strand). Cytogenetic location: 12q24.33.
Variant type: single nucleotide variant.
Coding change: c.729G>A on transcript NM_006231.4 (MANE Select); coding-DNA position 729, G replaced by A.
Protein change: p.Trp243Ter; replaces tryptophan 243 with a stop codon.
Molecular consequence: nonsense.
Genome position (GRCh38, 1-based): chr12:132,677,435, C>T on the plus strand (G>A on the coding strand, the complement: POLE is on the minus strand). VCF-style: chr12-132677435-C-T. GRCh37 (hg19) VCF-style: chr12-133254021-C-T.
Other names: short protein forms W243*.
Identifiers: ClinVar variation 565822 (VCV000565822.8), dbSNP rs1565977663, ClinGen allele CA387364549.